The following is an entry in ClinVar:

ClinVar aggregate classification (germline): Uncertain significance. Review status: criteria provided, multiple submitters, no conflicts (2 of 4 stars). 2 submissions from 2 submitters: Uncertain significance (2). Last evaluated 2025-05-20.

Conditions:
Hereditary cancer-predisposing syndrome. Also called: Hereditary Cancer Syndrome; Neoplastic Syndromes, Hereditary; Hereditary neoplastic syndrome; Tumor predisposition. Identifiers: Orphanet 140162, MedGen C0027672, MeSH D009386, MONDO:0015356.
DICER1-related tumor predisposition. Also called: DICER1-related pleuropulmonary blastoma cancer predisposition syndrome; DICER1 syndrome. Identifiers: Orphanet 284343, MedGen C3839822, MONDO:0100216.

Allele frequency attached by ClinVar (database versions not stated): gnomAD exomes below 0.00001.
gnomAD v4.1: 1 of 1,612,624 alleles (0.000062%); highest among the groups gnomAD compares: South Asian, 0.0011%; no homozygotes.

Submissions (2):

Ambry Genetics
Classification: Uncertain significance for Hereditary cancer-predisposing syndrome. Last evaluated: 2025-05-20. Review status: criteria provided, single submitter. Criteria: Ambry Variant Classification Scheme 2023. Collection method: clinical testing. Allele origin: germline.
Comment: The p.R937H variant (also known as c.2810G>A), located in coding exon 17 of the DICER1 gene, results from a G to A substitution at nucleotide position 2810. The arginine at codon 937 is replaced by histidine, an amino acid with highly similar properties. This amino acid position is highly conserved in available vertebrate species. In addition, the in silico prediction for this alteration is inconclusive. Based on the available evidence, the clinical significance of this variant remains unclear.

Labcorp Genetics (formerly Invitae), Labcorp
Classification: Uncertain significance for DICER1-related tumor predisposition. Last evaluated: 2024-10-15. Review status: criteria provided, single submitter. Criteria: Invitae Variant Classification Sherloc (09022015). Collection method: clinical testing. Allele origin: germline.
Comment: This sequence change replaces arginine, which is basic and polar, with histidine, which is basic and polar, at codon 937 of the DICER1 protein (p.Arg937His). This variant is not present in population databases (gnomAD no frequency). This variant has not been reported in the literature in individuals affected with DICER1-related conditions. ClinVar contains an entry for this variant (Variation ID: 821837). Invitae Evidence Modeling of protein sequence and biophysical properties (such as structural, functional, and spatial information, amino acid conservation, physicochemical variation, residue mobility, and thermodynamic stability) indicates that this missense variant is not expected to disrupt DICER1 protein function with a negative predictive value of 95%. In summary, the available evidence is currently insufficient to determine the role of this variant in disease. Therefore, it has been classified as a Variant of Uncertain Significance.

NM_177438.3(DICER1):c.2810G>A (p.Arg937His)

Gene: DICER1 (dicer 1, ribonuclease III; minus strand). Cytogenetic location: 14q32.13.
Variant type: single nucleotide variant.
Coding change: c.2810G>A on transcript NM_177438.3 (MANE Select); coding-DNA position 2810, G replaced by A.
Protein change: p.Arg937His; replaces arginine 937 with histidine.
Molecular consequence: missense variant.
Genome position (GRCh38, 1-based): chr14:95,106,218, C>T on the plus strand (G>A on the coding strand, the complement: DICER1 is on the minus strand). VCF-style: chr14-95106218-C-T. GRCh37 (hg19) VCF-style: chr14-95572555-C-T.
Other names: c.2810G>A, p.Arg937His (NM_001291628.2, NM_030621.4, NM_001195573.1 and 1 more transcripts); short protein forms R937H.
Identifiers: ClinVar variation 821837 (VCV000821837.8), dbSNP rs1595374327, ClinGen allele CA390879303.